The following is an entry in ClinVar:

NM_015404.4(WHRN):c.46G>A (p.Gly16Ser)

Gene: WHRN (whirlin; minus strand). Cytogenetic location: 9q32.
Variant type: single nucleotide variant.
Coding change: c.46G>A on transcript NM_015404.4 (MANE Select); coding-DNA position 46, G replaced by A.
Protein change: p.Gly16Ser; replaces glycine 16 with serine.
Molecular consequence: missense variant.
Genome position (GRCh38, 1-based): chr9:114,504,756, C>T on the plus strand (G>A on the coding strand, the complement: WHRN is on the minus strand). VCF-style: chr9-114504756-C-T. GRCh37 (hg19) VCF-style: chr9-117267036-C-T.
Other names: c.46G>A, p.Gly16Ser (NM_001173425.2); short protein forms G16S.
Identifiers: ClinVar variation 2100472 (VCV002100472.5), dbSNP rs868145936, ClinGen allele CA198660505.
Genomic context (GRCh38, chr9:114,504,756, plus strand): 5'-ACAGTAACCGCAGCCCCGCGCCCCCGCCGCCGCCCGCCCCGGCCGCCGAGCCCAGCGAGC[C>T]GGTGGAGGACGAGCTCACCGACAGGCCGTCCAGCGGCGCGTTCATCTCCACGCCGAGGCC-3'
Protein context (NP_056219.3, residues 6-26): DGLSVSSSST[Gly16Ser]SLGSAAGAGG

ClinVar aggregate classification (germline): Uncertain significance. Review status: criteria provided, multiple submitters, no conflicts (2 of 4 stars). 2 submissions from 2 submitters: Uncertain significance (2). Last evaluated 2022-07-18.

Allele frequency attached by ClinVar (database versions not stated): TOPMed below 0.00001.
gnomAD v4.1: 2 of 1,505,390 alleles (0.00013%); highest among the groups gnomAD compares: African/African-American, 0.0029%; no homozygotes.

Submissions (2):

Blueprint Genetics
Classification: Uncertain significance. Last evaluated: 2022-07-18. Review status: criteria provided, single submitter. Criteria: ACMG Guidelines, 2015. Collection method: clinical testing. Allele origin: germline.

Labcorp Genetics (formerly Invitae), Labcorp
Classification: Uncertain significance. Last evaluated: 2022-06-24. Review status: criteria provided, single submitter. Criteria: Invitae Variant Classification Sherloc (09022015). Collection method: clinical testing. Allele origin: germline.
Comment: This sequence change replaces glycine, which is neutral and non-polar, with serine, which is neutral and polar, at codon 16 of the WHRN protein (p.Gly16Ser). This variant is not present in population databases (gnomAD no frequency). This variant has not been reported in the literature in individuals affected with WHRN-related conditions. Algorithms developed to predict the effect of missense changes on protein structure and function are either unavailable or do not agree on the potential impact of this missense change (SIFT: "Deleterious"; PolyPhen-2: "Probably Damaging"; Align-GVGD: "Class C0"). In summary, the available evidence is currently insufficient to determine the role of this variant in disease. Therefore, it has been classified as a Variant of Uncertain Significance.